The following is an entry in ClinVar:

NM_004369.4(COL6A3):c.6236A>G (p.Asn2079Ser)

Gene: COL6A3 (collagen type VI alpha 3 chain; minus strand). Cytogenetic location: 2q37.3.
Variant type: single nucleotide variant.
Coding change: c.6236A>G on transcript NM_004369.4 (MANE Select); coding-DNA position 6236, A replaced by G.
Protein change: p.Asn2079Ser; replaces asparagine 2079 with serine.
Molecular consequence: missense variant.
Genome position (GRCh38, 1-based): chr2:237,360,134, T>C on the plus strand (A>G on the coding strand, the complement: COL6A3 is on the minus strand). VCF-style: chr2-237360134-T-C. GRCh37 (hg19) VCF-style: chr2-238268777-T-C.
Other names: c.4415A>G, p.Asn1472Ser (NM_057166.5); c.5618A>G, p.Asn1873Ser (NM_057167.4); short protein forms N1472S, N1873S, N2079S.
Identifiers: ClinVar variation 2000423 (VCV002000423.4), dbSNP rs2469862004, ClinGen allele CA351216641.

ClinVar aggregate classification (germline): Uncertain significance (1 of 4 stars; one submission).

Conditions:
Bethlem myopathy 1A. Also called: MYOPATHY, BENIGN CONGENITAL, WITH CONTRACTURES; Bethlem myopathy 1; Bethlem Muscular Dystrophy. Identifiers: Orphanet 610, MedGen CN029274, MONDO:0024530, OMIM 158810.

Submission:

Labcorp Genetics (formerly Invitae), Labcorp
Classification: Uncertain significance for Bethlem myopathy 1A. Last evaluated: 2022-06-08. Review status: criteria provided, single submitter. Criteria: Invitae Variant Classification Sherloc (09022015). Collection method: clinical testing. Allele origin: germline.
Comment: Advanced modeling of protein sequence and biophysical properties (such as structural, functional, and spatial information, amino acid conservation, physicochemical variation, residue mobility, and thermodynamic stability) performed at Invitae indicates that this missense variant is not expected to disrupt COL6A3 protein function. This sequence change replaces asparagine, which is neutral and polar, with serine, which is neutral and polar, at codon 2079 of the COL6A3 protein (p.Asn2079Ser). This variant is not present in population databases (gnomAD no frequency). This variant has not been reported in the literature in individuals affected with COL6A3-related conditions. In summary, the available evidence is currently insufficient to determine the role of this variant in disease. Therefore, it has been classified as a Variant of Uncertain Significance.